The following is an entry in ClinVar:

ClinVar aggregate classification (germline): Likely pathogenic (1 of 4 stars; one submission).

Submission:

Mayo Clinic Laboratories, Mayo Clinic
Classification: Likely pathogenic. Last evaluated: 2023-01-18. Review status: criteria provided, single submitter. Criteria: ACMG Guidelines, 2015. Collection method: clinical testing. Allele origin: germline. Observed: 1 variant allele.
Comment: PM2, PVS1

NM_001142864.4(PIEZO1):c.2748G>A (p.Trp916Ter)

Genes: HSALR1 (HSP90AB1 associated lncRNA 1; plus strand), PIEZO1 (piezo type mechanosensitive ion channel component 1 (Er blood group); minus strand). Cytogenetic location: 16q24.3.
Variant type: single nucleotide variant.
Coding change: c.2748G>A on transcript NM_001142864.4 (MANE Select); coding-DNA position 2748, G replaced by A.
Protein change: p.Trp916Ter; replaces tryptophan 916 with a stop codon.
Molecular consequence: nonsense.
Genome position (GRCh38, 1-based): chr16:88,732,649, C>T on the plus strand (G>A on the coding strand, the complement: PIEZO1 is on the minus strand). VCF-style: chr16-88732649-C-T. GRCh37 (hg19) VCF-style: chr16-88799057-C-T.
Other names: p.Trp916*; c.1290G>A, p.Trp430Ter (NM_014745.1); short protein forms W430*, W916*.
Identifiers: ClinVar variation 2683502 (VCV002683502.1), dbSNP rs2507900469, ClinGen allele CA397110562.
Genomic context (GRCh38, chr16:88,732,649, plus strand): 5'-ACCAGCCCTTCAACTCACCTGGATGTAGCCCAGGTTGGGGAACCCTTTCCGCACCCCAAA[C>T]CAGTTGGCAGGGTCCACGGGCCCCCGGTACAGCAGGGACTGGCTGATCTCCGTGGGCAGC-3'